The following is an entry in ClinVar:

NM_024675.4(PALB2):c.844_848del (p.Arg282fs)

Gene: PALB2 (partner and localizer of BRCA2; minus strand). Cytogenetic location: 16p12.2.
Variant type: Deletion.
Coding change: c.844_848del on transcript NM_024675.4 (MANE Select); coding-DNA positions 844 to 848, 5 bases deleted (AGATT; older notation c.844_848delAGATT).
Protein change: p.Arg282fs; shifts the reading frame from arginine 282.
Molecular consequence: frameshift variant. On other transcripts: 5 prime UTR variant (8), intron variant (3).
Genome position (GRCh38, 1-based): chr16:23,635,698-23,635,702, AATCT deleted on the plus strand (AGATT on the coding strand, the reverse complement: PALB2 is on the minus strand); deleting any 5 consecutive bases within chr16:23,635,698-23,635,705 gives the same sequence; the c. name uses the placement nearest the transcript's 3' end. VCF-style (leftmost placement, unchanged base first): chr16-23635697-AAATCT-A. GRCh37 (hg19) VCF-style: chr16-23647018-AAATCT-A.
Other names: c.784_788del, p.Arg262fs (NM_001407296.1); c.844_848del, p.Arg282fs (NM_001407297.1, NM_001407298.1, NM_001407299.1 and 3 more transcripts); c.-42_-38del (NM_001407304.1, NM_001407305.1, NM_001407306.1 and 5 more transcripts); c.48+5408_48+5412del (NM_001407314.1); c.-104-5233_-104-5229del (NM_001407313.1, NM_001407312.1); c.844_848delAGATT (NM_024675.3); short protein forms R262fs, R282fs.
Identifiers: ClinVar variation 5026135 (VCV005026135.1).
Genomic context (GRCh38, chr16:23,635,697, plus strand): 5'-GAGGTTATCTGTAGAGACAGTCATTTTTTTGCCTTGTGCCTCCAAACTTACAGGTGAAGT[AAATCT>A]AATGTTTTTTAGGTCGTGAGTAGTAAGTTCACTGCTACCTTTAGGAGGAATGTGTTCAAG-3'

ClinVar aggregate classification (germline): Pathogenic (1 of 4 stars; one submission).

Conditions:
Hereditary cancer-predisposing syndrome. Also called: Neoplastic Syndromes, Hereditary; Tumor predisposition; Hereditary neoplastic syndrome; Hereditary Cancer Syndrome. Identifiers: Orphanet 140162, MedGen C0027672, MeSH D009386, MONDO:0015356.

Submission:

Ambry Genetics
Classification: Pathogenic for Hereditary cancer-predisposing syndrome. Last evaluated: 2026-08-10. Review status: criteria provided, single submitter. Criteria: Ambry Variant Classification Scheme 2023. Collection method: clinical testing. Allele origin: germline.
Comment: The c.844_848delAGATT pathogenic mutation, located in coding exon 4 of the PALB2 gene, results from a deletion of 5 nucleotides at nucleotide positions 844 to 848, causing a translational frameshift with a predicted alternate stop codon (p.R282Yfs*19). This variant is considered to be rare based on population cohorts in the Genome Aggregation Database (gnomAD). This variant is expected to result in loss of function by premature protein truncation or nonsense-mediated mRNA decay. As such, this variant is interpreted as a disease-causing mutation.